The following is an entry in ClinVar:

ClinVar aggregate classification (germline): Uncertain significance. Review status: criteria provided, multiple submitters, no conflicts (2 of 4 stars). 2 submissions from 2 submitters: Uncertain significance (2). Last evaluated 2026-09-21.

Conditions:
SH2B1-related disorder. Also called: SH2B1-related condition.
Severe early-onset obesity-insulin resistance syndrome due to SH2B1 deficiency. Identifiers: Orphanet 329249, MedGen C5190989, MONDO:0017994.

Submissions (2):

PreventionGenetics, part of Exact Sciences
Classification: Uncertain significance for SH2B1-related condition. Last evaluated: 2026-09-21. Review status: criteria provided, single submitter. Criteria: ACMG Guidelines, 2015. Collection method: clinical testing. Allele origin: germline.
Comment: The SH2B1 c.245G>A variant is predicted to result in the amino acid substitution p.Arg82Gln. To our knowledge, this variant has not been reported in the literature. This variant is reported in 0.0087% of alleles in individuals of European (Non-Finnish) descent in gnomAD. At this time, the clinical significance of this variant is uncertain due to the absence of conclusive functional and genetic evidence.

Clinical Genomics Laboratory, Washington University in St. Louis
Classification: Uncertain significance for Severe early-onset obesity-insulin resistance syndrome due to SH2B1 deficiency. Last evaluated: 2026-02-27. Review status: criteria provided, single submitter. Criteria: ACMG Guidelines, 2015. Collection method: clinical testing. Allele origin: germline.
Comment: The SH2B1 c.245G>A (p.Arg82Gln) variant, to our knowledge, has not been reported in the medical literature. The highest population minor allele frequency in the population database genome aggregation database (v.2.1.1) is 0.04%. Computational predictors suggest that the variant does not impact SH2B1 function. This variant has been reported in the ClinVar database as a germline variant of uncertain significance by a single submitter. Due to limited information, and based on ACMG/AMP guidelines for variant interpretation (Richards S et al., PMID: 25741868), the clinical significance of this variant is uncertain at this time.

Literature cited by the submitters: PubMed 23160192 (cited by Clinical Genomics Laboratory, Washington University in St. Louis); PubMed 31439647 (cited by Clinical Genomics Laboratory, Washington University in St. Louis); PubMed 24971614 (cited by Clinical Genomics Laboratory, Washington University in St. Louis); PubMed 17235396 (cited by Clinical Genomics Laboratory, Washington University in St. Louis).

NM_001387430.1(SH2B1):c.245G>A (p.Arg82Gln)

Gene: SH2B1 (SH2B adaptor protein 1; plus strand). Cytogenetic location: 16p11.2.
Variant type: single nucleotide variant.
Coding change: c.245G>A on transcript NM_001387430.1 (MANE Select); coding-DNA position 245, G replaced by A.
Protein change: p.Arg82Gln; replaces arginine 82 with glutamine.
Molecular consequence: missense variant. On other transcripts: intron variant (1).
Genome position (GRCh38, 1-based): chr16:28,866,339, G>A. VCF-style: chr16-28866339-G-A. GRCh37 (hg19) VCF-style: chr16-28877660-G-A.
Other names: c.245G>A, p.Arg82Gln (NM_015503.3, NM_001145795.2, NM_001145796.2 and 4 more transcripts); c.-26-1035G>A (NM_001308294.2); short protein forms R82Q.
Identifiers: ClinVar variation 3351417 (VCV003351417.3).
Genomic context (GRCh38, chr16:28,866,339, plus strand): 5'-CTGCCTTCTCCCGCCGTTTTGCTGAGCTCTTCCTGCAGCACTTTGAAGCCGAGGTGGCCC[G>A]GGCCTCTGGCTCCCTGTCGCCACCCATCCTGGCTCCCCTGAGCCCTGGTGCGGAGATTTC-3'
Protein context (NP_001374359.1, residues 72-92): FLQHFEAEVA[Arg82Gln]ASGSLSPPIL